The following is an entry in ClinVar:

NM_182914.3(SYNE2):c.19962C>G (p.Leu6654=)

Gene: SYNE2 (spectrin repeat containing nuclear envelope protein 2; plus strand). Cytogenetic location: 14q23.2.
Variant type: single nucleotide variant.
Coding change: c.19962C>G on transcript NM_182914.3 (MANE Select); coding-DNA position 19962, C replaced by G.
Protein change: p.Leu6654=; no amino-acid change (leucine 6654 retained).
Molecular consequence: synonymous variant.
Genome position (GRCh38, 1-based): chr14:64,220,538, C>G. VCF-style: chr14-64220538-C-G. GRCh37 (hg19) VCF-style: chr14-64687256-C-G.
Other names: c.19893C>G, p.Leu6631= (NM_015180.6); c.486C>G, p.Leu162= (NM_182910.2); c.864C>G, p.Leu288= (NM_182913.4).
Identifiers: ClinVar variation 704874 (VCV000704874.35), dbSNP rs139326092, ClinGen allele CA7224646.
Genomic context (GRCh38, chr14:64,220,538, plus strand): 5'-CTCTGTCAACGTGAGCAGCAAGGAATTTCTGCAAACCGAGAGCCCCGAATCCACAGAGCT[C>G]CAAAGTAGACTCCGCCAGCTGAGCCTGCTCTGGGAAGCAGCACAGGGCGCAGTGGACAGC-3'
Protein context (NP_878918.2, residues 6644-6664): LQTESPESTE[Leu6654=]QSRLRQLSLL

ClinVar aggregate classification (germline): Benign/Likely benign. Review status: criteria provided, multiple submitters, no conflicts (2 of 4 stars). 4 submissions from 4 submitters: Benign (2); Likely benign (2). Last evaluated 2025-08-21.

Conditions:
Emery-Dreifuss muscular dystrophy 5, autosomal dominant (EDMD5). Also called: EMERY-DREIFUSS MUSCULAR DYSTROPHY 5. Identifiers: Orphanet 261, MedGen C2751805, MONDO:0013072, OMIM 612999.

Allele frequency attached by ClinVar (database versions not stated): gnomAD 0.00005 and 0.00012; ESP Exome Variant Server 0.00008; TOPMed 0.00008; gnomAD exomes 0.00014 and 0.00021; ExAC 0.00021; 1000 Genomes Project 30x 0.00062; 1000 Genomes Project 0.00080.
gnomAD v4.1: 229 of 1,614,094 alleles (0.014%); highest among the groups gnomAD compares: East Asian, 0.3%; 1 homozygote.

Submissions (4):

Labcorp Genetics (formerly Invitae), Labcorp
Classification: Benign for Emery-Dreifuss muscular dystrophy 5, autosomal dominant. Last evaluated: 2025-08-21. Review status: criteria provided, single submitter. Criteria: Invitae Variant Classification Sherloc (09022015). Collection method: clinical testing. Allele origin: germline.

Blueprint Genetics
Classification: Likely benign. Last evaluated: 2024-04-15. Review status: criteria provided, single submitter. Criteria: ACMG Guidelines, 2015. Collection method: clinical testing. Allele origin: germline.

CeGaT Center for Human Genetics Tuebingen
Classification: Likely benign. Last evaluated: 2023-03-01. Review status: criteria provided, single submitter. Criteria: CeGaT Center For Human Genetics Tuebingen Variant Classification Criteria Version 2. Collection method: clinical testing. Allele origin: germline. Affected: yes. Observed: 1 variant allele.
Comment: SYNE2: BP4, BP7

Illumina Laboratory Services, Illumina
Classification: Benign for Emery-Dreifuss muscular dystrophy 5, autosomal dominant. Last evaluated: 2018-01-12. Review status: criteria provided, single submitter. Criteria: ICSL Variant Classification Criteria 13 December 2019. Collection method: clinical testing. Allele origin: germline.
Comment: This variant was observed in the ICSL laboratory as part of a predisposition screen in an ostensibly healthy population. It had not been previously curated by ICSL or reported in the Human Gene Mutation Database (HGMD: prior to June 1st, 2018), and was therefore a candidate for classification through an automated scoring system. Utilizing variant allele frequency, disease prevalence and penetrance estimates, and inheritance mode, an automated score was calculated to assess if this variant is too frequent to cause the disease. Based on the score and internal cut-off values, a variant classified as benign is not then subjected to further curation. The score for this variant resulted in a classification of benign for this disease.